The following is an entry in ClinVar:

ClinVar aggregate classification (germline): Uncertain significance. Review status: criteria provided, multiple submitters, no conflicts (2 of 4 stars). 4 submissions from 4 submitters: Uncertain significance (4). Last evaluated 2026-05-11.

Conditions:
Familial thoracic aortic aneurysm and aortic dissection (TAAD). Also called: Thoracic aortic aneurysms and dissections. Identifiers: Orphanet 91387, MedGen C4707243, MONDO:0019625.
Marfan syndrome (MFS). Also called: Marfan syndrome type 1; Marfan syndrome, classic; Marfan's syndrome; FBN1-Related Marfan Syndrome; MARFAN SYNDROME, TYPE I. Identifiers: Orphanet 284963, Orphanet 558, MedGen C0024796, MONDO:0007947, OMIM 154700.

Allele frequency attached by ClinVar (database versions not stated): gnomAD exomes 0.00001; ExAC 0.00002.
gnomAD v4.1: 3 of 1,614,206 alleles (0.00019%); highest among the groups gnomAD compares: Non-Finnish European, 0.00025%; no homozygotes.

Submissions (4):

Women's Health and Genetics/Laboratory Corporation of America, LabCorp
Classification: Uncertain significance. Last evaluated: 2026-05-11. Review status: criteria provided, single submitter. Criteria: LabCorp Variant Classification Summary - May 2015. Collection method: clinical testing. Allele origin: germline.
Comment: Variant summary: FBN1 c.3214G>A (p.Asp1072Asn) results in a conservative amino acid change in the encoded protein sequence. Algorithms developed to predict the effect of missense changes on protein structure and function are either unavailable or do not agree on the potential impact of this missense change. The variant allele was found at a frequency of 8e-06 in 251456 control chromosomes. The available data on variant occurrences in the general population are insufficient to allow any conclusion about variant significance. To our knowledge, no occurrence of c.3214G>A in individuals affected with FBN1-related conditions and no experimental evidence demonstrating its impact on protein function have been reported. ClinVar contains an entry for this variant (Variation ID: 527185). Based on the evidence outlined above, the variant was classified as uncertain significance.

All of Us Research Program, National Institutes of Health
Classification: Uncertain significance for Marfan syndrome. Last evaluated: 2024-07-10. Review status: criteria provided, single submitter. Criteria: ACMG Guidelines, 2015. Collection method: clinical testing. Allele origin: germline. Inheritance: Autosomal dominant inheritance. Observed: 2 variant alleles, 2 heterozygotes.
Comment: This missense variant replaces aspartic acid with asparagine at codon 1072 of the FBN1 protein. Computational prediction is inconclusive regarding the impact of this variant on protein structure and function (internally defined REVEL score threshold 0.5 < inconclusive < 0.7, PMID: 27666373). To our knowledge, functional studies have not been reported for this variant. This variant has not been reported in individuals affected with FBN1-related disorders in the literature. This variant has been identified in 2/251456 chromosomes in the general population by the Genome Aggregation Database (gnomAD). The available evidence is insufficient to determine the role of this variant in disease conclusively. Therefore, this variant is classified as a Variant of Uncertain Significance.

This study involves interpretation of variants in research participants for the purpose of population health screening. Participant phenotype was not available at the time of variant classification. Additional details can be found in publication PMID: 35346344, PMCID: PMC8962531

Color Diagnostics, LLC DBA Color Health
Classification: Uncertain significance for Familial thoracic aortic aneurysm and aortic dissection. Last evaluated: 2024-06-13. Review status: criteria provided, single submitter. Criteria: ACMG Guidelines, 2015. Collection method: clinical testing. Allele origin: germline.
Comment: This missense variant replaces aspartic acid with asparagine at codon 1072 of the FBN1 protein. Computational prediction tools indicate that this variant's impact on protein structure and function is inconclusive. To our knowledge, functional studies have not been reported for this variant. This variant has not been reported in individuals affected with FBN1-related disorders in the literature. This variant has been identified in 2/251456 chromosomes in the general population by the Genome Aggregation Database (gnomAD). The available evidence is insufficient to determine the role of this variant in disease conclusively. Therefore, this variant is classified as a Variant of Uncertain Significance.

Labcorp Genetics (formerly Invitae), Labcorp
Classification: Uncertain significance for Marfan syndrome; Familial thoracic aortic aneurysm and aortic dissection. Last evaluated: 2021-08-27. Review status: criteria provided, single submitter. Criteria: Invitae Variant Classification Sherloc (09022015). Collection method: clinical testing. Allele origin: germline.
Comment: This sequence change replaces aspartic acid with asparagine at codon 1072 of the FBN1 protein (p.Asp1072Asn). The aspartic acid residue is highly conserved and there is a small physicochemical difference between aspartic acid and asparagine. This variant is present in population databases (rs778867355, ExAC 0.003%). This variant has not been reported in the literature in individuals affected with FBN1-related conditions. Algorithms developed to predict the effect of missense changes on protein structure and function are either unavailable or do not agree on the potential impact of this missense change (SIFT: "Deleterious"; PolyPhen-2: "Possibly Damaging"; Align-GVGD: "Class C15"). In summary, the available evidence is currently insufficient to determine the role of this variant in disease. Therefore, it has been classified as a Variant of Uncertain Significance.

NM_000138.5(FBN1):c.3214G>A (p.Asp1072Asn)

Gene: FBN1 (fibrillin 1; minus strand). Cytogenetic location: 15q21.1.
Variant type: single nucleotide variant.
Coding change: c.3214G>A on transcript NM_000138.5 (MANE Select); coding-DNA position 3214, G replaced by A.
Protein change: p.Asp1072Asn; replaces aspartic acid 1072 with asparagine.
Molecular consequence: missense variant.
Genome position (GRCh38, 1-based): chr15:48,488,236, C>T on the plus strand (G>A on the coding strand, the complement: FBN1 is on the minus strand). VCF-style: chr15-48488236-C-T. GRCh37 (hg19) VCF-style: chr15-48780433-C-T.
Other names: short protein forms D1072N.
Identifiers: ClinVar variation 527185 (VCV000527185.11), dbSNP rs778867355, ClinGen allele CA050174.